The following is an entry in ClinVar:

ClinVar aggregate classification (germline): Conflicting classifications of pathogenicity. Review status: criteria provided, conflicting classifications (1 of 4 stars). 5 submissions from 5 submitters: Uncertain significance (1); Likely benign (3). 1 of the submissions does not count toward it. Last evaluated 2025-08-01.

Conditions:
FH-related disorder. Also called: FH-related disorders; FH-related condition.
Hereditary cancer-predisposing syndrome. Also called: Hereditary neoplastic syndrome; Hereditary Cancer Syndrome; Tumor predisposition; Neoplastic Syndromes, Hereditary. Identifiers: Orphanet 140162, MedGen C0027672, MeSH D009386, MONDO:0015356.
Hereditary leiomyomatosis and renal cell cancer. Also called: MULTIPLE CUTANEOUS AND UTERINE LEIOMYOMATA 1, WITH OR WITHOUT RENAL CELL CARCINOMA; Reed syndrome; Multiple cutaneous and uterine leiomyomatosis; Cutaneous leiomyomata with uterine leiomyomata; Leiomyoma, hereditary multiple, of skin; Multiple cutaneous and uterine leiomyomata. Identifiers: Orphanet 523, MedGen C1708350, MONDO:0007888, OMIM 150800, HP:0007437. Disease mechanism: loss of function.

Submissions (5):

Labcorp Genetics (formerly Invitae), Labcorp
Classification: Likely benign. Last evaluated: 2025-08-01. Review status: criteria provided, single submitter. Criteria: Invitae Variant Classification Sherloc (09022015). Collection method: clinical testing. Allele origin: germline.

Myriad Genetics, Inc.
Classification: Likely benign for Hereditary leiomyomatosis and renal cell cancer. Last evaluated: 2024-10-21. Review status: criteria provided, single submitter. Criteria: Myriad Autosomal Dominant, Autosomal Recessive and X-Linked Classification Criteria (2023). Collection method: clinical testing. Allele origin: unknown.
Comment: This variant is considered likely benign. This variant is intronic and is not expected to impact mRNA splicing.

Quest Diagnostics Nichols Institute San Juan Capistrano
Classification: Uncertain significance. Last evaluated: 2024-09-23. Review status: criteria provided, single submitter. Criteria: Quest Diagnostics criteria. Collection method: clinical testing. Allele origin: unknown.
Comment: The FH c.1237-14_1237-5del variant has not been reported in individuals with FH-related conditions in the published literature. The frequency of this variant in the general population, 0.0000041 (1/241348 chromosomes (Genome Aggregation Database)), is uninformative in the assessment of its pathogenicity. Analysis of this variant using software algorithms for the prediction of the effect of nucleotide changes on splicing yielded predictions that this variant does not affect FH mRNA splicing. Based on the available information, we are unable to determine the clinical significance of this variant.

Ambry Genetics
Classification: Likely benign for Hereditary cancer-predisposing syndrome. Last evaluated: 2023-04-24. Review status: criteria provided, single submitter. Criteria: Ambry Variant Classification Scheme 2023. Collection method: clinical testing. Allele origin: germline.

PreventionGenetics, part of Exact Sciences
Classification: Likely benign for FH-related condition. Last evaluated: 2024-04-09. Review status: no assertion criteria provided. Collection method: clinical testing. Allele origin: germline. Not counted in ClinVar's aggregate classification.
Comment: This variant is classified as likely benign based on ACMG/AMP sequence variant interpretation guidelines (Richards et al. 2015 PMID: 25741868, with internal and published modifications).

NM_000143.4(FH):c.1237-14_1237-5del

Gene: FH (fumarate hydratase; minus strand). Cytogenetic location: 1q43.
Variant type: Deletion.
Coding change: c.1237-14_1237-5del on transcript NM_000143.4 (MANE Select); 14 bases into the intron before coding-DNA position 1237 through 5 bases into the intron before coding-DNA position 1237, 10 bases deleted (TCACTCACTC; older notation c.1237-14_1237-5delTCACTCACTC).
Molecular consequence: intron variant.
Genome position (GRCh38, 1-based): chr1:241,500,595-241,500,604, GAGTGAGTGA deleted on the plus strand (TCACTCACTC on the coding strand, the reverse complement: FH is on the minus strand); deleting any 10 consecutive bases within chr1:241,500,595-241,500,607 gives the same sequence; the c. name uses the placement nearest the transcript's 3' end. VCF-style (leftmost placement, unchanged base first): chr1-241500594-TGAGTGAGTGA-T. GRCh37 (hg19) VCF-style: chr1-241663894-TGAGTGAGTGA-T.
Other names: c.1237-14_1237-5del10 (NM_000143.3); c.1237-14_1237-5del (NM_000143.3).
Identifiers: ClinVar variation 1128482 (VCV001128482.14), dbSNP rs759012809, ClinGen allele CA1478489.